The following is an entry in ClinVar:

NM_001355436.2(SPTB):c.5798+1G>A

Gene: SPTB (spectrin beta, erythrocytic; minus strand). Cytogenetic location: 14q23.3.
Variant type: single nucleotide variant.
Coding change: c.5798+1G>A on transcript NM_001355436.2 (MANE Select); the canonical splice donor site of the intron after coding-DNA position 5798, G replaced by A.
Molecular consequence: splice donor variant.
Genome position (GRCh38, 1-based): chr14:64,770,884, C>T on the plus strand (G>A on the coding strand, the complement: SPTB is on the minus strand). VCF-style: chr14-64770884-C-T. GRCh37 (hg19) VCF-style: chr14-65237602-C-T.
Other names: c.5798+1G>A (NM_001024858.4, NM_001355437.2).
Identifiers: ClinVar variation 2910354 (VCV002910354.4), dbSNP rs2503047629, ClinGen allele CA390040127.
Genomic context (GRCh38, chr14:64,770,884, plus strand): 5'-GTTGGCCGGGCTCCTCTGGCCTGGAGAGGAGCTGCCTCTGCCTCAAGGACACTCCCCTCA[C>T]CTGGGCCTCTCCTGGGTCTCGATCTGCCGGATGATGCTCTCCATCCAGGAGAGGAGGTCA-3'

ClinVar aggregate classification (germline): Pathogenic. Review status: criteria provided, multiple submitters, no conflicts (2 of 4 stars). 2 submissions from 2 submitters: Pathogenic (2). Last evaluated 2026-03-18.

Submissions (2):

GeneDx
Classification: Pathogenic. Last evaluated: 2026-03-18. Review status: criteria provided, single submitter. Criteria: GeneDx Variant Classification Process June 2021. Collection method: clinical testing. Allele origin: germline.
Comment: Canonical splice site variant predicted to result in a null allele in a gene for which loss of function is a known mechanism of disease; Not observed at significant frequency in large population cohorts (gnomAD); This variant is associated with the following publications: (PMID: 31922588, 31122244, 29572776)

Labcorp Genetics (formerly Invitae), Labcorp
Classification: Pathogenic. Last evaluated: 2023-05-21. Review status: criteria provided, single submitter. Criteria: Invitae Variant Classification Sherloc (09022015). Collection method: clinical testing. Allele origin: germline.
Comment: Disruption of this splice site has been observed in individual(s) with hereditary spherocytosis (PMID: 29572776, 31122244). It has also been observed to segregate with disease in related individuals. This variant is not present in population databases (gnomAD no frequency). This sequence change affects a donor splice site in intron 26 of the SPTB gene. It is expected to disrupt RNA splicing. Variants that disrupt the donor or acceptor splice site typically lead to a loss of protein function (PMID: 16199547), and loss-of-function variants in SPTB are known to be pathogenic (PMID: 1391962, 1498324, 8844207, 26830532, 27292444). For these reasons, this variant has been classified as Pathogenic. Algorithms developed to predict the effect of sequence changes on RNA splicing suggest that this variant may disrupt the consensus splice site.

Literature cited by the submitters: PubMed 29572776 (cited by Labcorp Genetics (formerly Invitae), Labcorp); PubMed 31122244 (cited by Labcorp Genetics (formerly Invitae), Labcorp); PubMed 16199547 (cited by Labcorp Genetics (formerly Invitae), Labcorp); PubMed 1391962 (cited by Labcorp Genetics (formerly Invitae), Labcorp); PubMed 1498324 (cited by Labcorp Genetics (formerly Invitae), Labcorp); PubMed 8844207 (cited by Labcorp Genetics (formerly Invitae), Labcorp); PubMed 26830532 (cited by Labcorp Genetics (formerly Invitae), Labcorp); PubMed 27292444 (cited by Labcorp Genetics (formerly Invitae), Labcorp).